The following is an entry in ClinVar:

NM_006015.6(ARID1A):c.4606G>A (p.Asp1536Asn)

Gene: ARID1A (AT-rich interaction domain 1A; plus strand). Cytogenetic location: 1p36.11.
Variant type: single nucleotide variant.
Coding change: c.4606G>A on transcript NM_006015.6 (MANE Select); coding-DNA position 4606, G replaced by A.
Protein change: p.Asp1536Asn; replaces aspartic acid 1536 with asparagine.
Molecular consequence: missense variant. On other transcripts: intron variant (1).
Genome position (GRCh38, 1-based): chr1:26,774,833, G>A. VCF-style: chr1-26774833-G-A. GRCh37 (hg19) VCF-style: chr1-27101324-G-A.
Other names: c.4102-147G>A (NM_139135.4); short protein forms D1536N.
Identifiers: ClinVar variation 3688098 (VCV003688098.2).

ClinVar aggregate classification (germline): Uncertain significance (1 of 4 stars; one submission).

gnomAD v4.1: 8 of 1,611,548 alleles (0.0005%); highest among the groups gnomAD compares: Non-Finnish European, 0.00059%; no homozygotes.

Submission:

Labcorp Genetics (formerly Invitae), Labcorp
Classification: Uncertain significance. Last evaluated: 2024-05-29. Review status: criteria provided, single submitter. Criteria: Invitae Variant Classification Sherloc (09022015). Collection method: clinical testing. Allele origin: germline.
Comment: This sequence change replaces aspartic acid, which is acidic and polar, with asparagine, which is neutral and polar, at codon 1536 of the ARID1A protein (p.Asp1536Asn). This variant is present in population databases (no rsID available, gnomAD 0.0009%). This variant has not been reported in the literature in individuals affected with ARID1A-related conditions. Advanced modeling of protein sequence and biophysical properties (such as structural, functional, and spatial information, amino acid conservation, physicochemical variation, residue mobility, and thermodynamic stability) performed at Invitae indicates that this missense variant is not expected to disrupt ARID1A protein function with a negative predictive value of 80%. In summary, the available evidence is currently insufficient to determine the role of this variant in disease. Therefore, it has been classified as a Variant of Uncertain Significance.